The following is an entry in ClinVar:

ClinVar aggregate classification (germline): Uncertain significance (1 of 4 stars; one submission).

Conditions:
Glycogen storage disease due to muscle and heart glycogen synthase deficiency. Also called: GSD 0b; MUSCLE GLYCOGEN SYNTHASE DEFICIENCY. Identifiers: Orphanet 137625, MedGen C1969054, MONDO:0012693, OMIM 611556.

Allele frequency attached by ClinVar (database versions not stated): gnomAD exomes 0.00001.
gnomAD v4.1: 9 of 1,613,844 alleles (0.00056%); highest among the groups gnomAD compares: East Asian, 0.0022%; no homozygotes.

Submission:

Labcorp Genetics (formerly Invitae), Labcorp
Classification: Uncertain significance for Glycogen storage disease due to muscle and heart glycogen synthase deficiency. Last evaluated: 2021-07-09. Review status: criteria provided, single submitter. Criteria: Invitae Variant Classification Sherloc (09022015). Collection method: clinical testing. Allele origin: germline.
Comment: Algorithms developed to predict the effect of missense changes on protein structure and function are either unavailable or do not agree on the potential impact of this missense change (SIFT: "Deleterious"; PolyPhen-2: "Benign"; Align-GVGD: "Class C65"). In summary, the available evidence is currently insufficient to determine the role of this variant in disease. Therefore, it has been classified as a Variant of Uncertain Significance. This variant has not been reported in the literature in individuals affected with GYS1-related conditions. This sequence change replaces arginine with cysteine at codon 582 of the GYS1 protein (p.Arg582Cys). The arginine residue is highly conserved and there is a large physicochemical difference between arginine and cysteine. This variant is not present in population databases (ExAC no frequency).

NM_002103.5(GYS1):c.1744C>T (p.Arg582Cys)

Gene: GYS1 (glycogen synthase 1; minus strand). Cytogenetic location: 19q13.33.
Variant type: single nucleotide variant.
Coding change: c.1744C>T on transcript NM_002103.5 (MANE Select); coding-DNA position 1744, C replaced by T.
Protein change: p.Arg582Cys; replaces arginine 582 with cysteine.
Molecular consequence: missense variant. On other transcripts: non-coding transcript variant (1).
Genome position (GRCh38, 1-based): chr19:48,970,611, G>A on the plus strand (C>T on the coding strand, the complement: GYS1 is on the minus strand). VCF-style: chr19-48970611-G-A. GRCh37 (hg19) VCF-style: chr19-49473868-G-A.
Other names: c.1552C>T, p.Arg518Cys (NM_001161587.2); short protein forms R518C, R582C.
Identifiers: ClinVar variation 1404824 (VCV001404824.8), dbSNP rs770398662, ClinGen allele CA406760260.
Genomic context (GRCh38, chr19:48,970,611, plus strand): 5'-CTAGGTATTTCCAGTCCAGAAGGTCGGAGAGGCGCTCCGTGCGGTTCCGCTGGATGATAC[G>A]CTGCCGCCGGCTCTGCTGACAGAAACTGTAGAGGAAGGAGGTGAGCTGCGAGCAGGAATC-3'
Protein context (NP_002094.2, residues 572-592): YSFCQQSRRQ[Arg582Cys]IIQRNRTERL